The following is an entry in ClinVar:

ClinVar aggregate classification (germline): Uncertain significance (1 of 4 stars; one submission).

Allele frequency attached by ClinVar (database versions not stated): TOPMed 0.00001.

Submission:

Labcorp Genetics (formerly Invitae), Labcorp
Classification: Uncertain significance. Last evaluated: 2025-12-08. Review status: criteria provided, single submitter. Criteria: Invitae Variant Classification Sherloc (09022015). Collection method: clinical testing. Allele origin: germline.
Comment: This sequence change replaces arginine, which is basic and polar, with lysine, which is basic and polar, at codon 1010 of the ASXL2 protein (p.Arg1010Lys). This variant is not present in population databases (gnomAD no frequency). This variant has not been reported in the literature in individuals affected with ASXL2-related conditions. ClinVar contains an entry for this variant (Variation ID: 2821593). Invitae Evidence Modeling of protein sequence and biophysical properties (such as structural, functional, and spatial information, amino acid conservation, physicochemical variation, residue mobility, and thermodynamic stability) indicates that this missense variant is not expected to disrupt ASXL2 protein function with a negative predictive value of 80%. In summary, the available evidence is currently insufficient to determine the role of this variant in disease. Therefore, it has been classified as a Variant of Uncertain Significance.

NM_018263.6(ASXL2):c.3029G>A (p.Arg1010Lys)

Gene: ASXL2 (ASXL transcriptional regulator 2; minus strand). Cytogenetic location: 2p23.3.
Variant type: single nucleotide variant.
Coding change: c.3029G>A on transcript NM_018263.6 (MANE Select); coding-DNA position 3029, G replaced by A.
Protein change: p.Arg1010Lys; replaces arginine 1010 with lysine.
Molecular consequence: missense variant.
Genome position (GRCh38, 1-based): chr2:25,743,308, C>T on the plus strand (G>A on the coding strand, the complement: ASXL2 is on the minus strand). VCF-style: chr2-25743308-C-T. GRCh37 (hg19) VCF-style: chr2-25966177-C-T.
Other names: c.2855G>A, p.Arg952Lys (NM_001369346.1); c.2249G>A, p.Arg750Lys (NM_001369347.1); short protein forms R1010K, R750K, R952K.
Identifiers: ClinVar variation 2821593 (VCV002821593.3), dbSNP rs1034595085, ClinGen allele CA43734509.
Genomic context (GRCh38, chr2:25,743,308, plus strand): 5'-GGGAGCTGCTTACTTTGCAAGGTTTTGCCCAGCTGCTGCTGCGTAGCTGGATGGGACTGT[C>T]TCTCATTAACTTCCTCTCTGGTGCTATTTTCTGTTGTGTTGGTAGCTATGAGCGCTCCCA-3'
Protein context (NP_060733.4, residues 1000-1020): ENSTREEVNE[Arg1010Lys]QSHPATQQQL